The following is an entry in ClinVar:

NM_004944.4(DNASE1L3):c.230+1G>A

Gene: DNASE1L3 (deoxyribonuclease 1L3; minus strand). Cytogenetic location: 3p14.3.
Variant type: single nucleotide variant.
Coding change: c.230+1G>A on transcript NM_004944.4 (MANE Select); the canonical splice donor site of the intron after coding-DNA position 230, G replaced by A.
Molecular consequence: splice donor variant.
Genome position (GRCh38, 1-based): chr3:58,208,217, C>T on the plus strand (G>A on the coding strand, the complement: DNASE1L3 is on the minus strand). VCF-style: chr3-58208217-C-T. GRCh37 (hg19) VCF-style: chr3-58193944-C-T.
Other names: c.230+1G>A (NM_001256560.2).
Identifiers: ClinVar variation 1516474 (VCV001516474.6), dbSNP rs2097405328, ClinGen allele CA353340882.

ClinVar aggregate classification (germline): Likely pathogenic (1 of 4 stars; one submission).

Allele frequency attached by ClinVar (database versions not stated): gnomAD 0.00001.
gnomAD v4.1: 1 of 1,613,910 alleles (0.000062%); highest among the groups gnomAD compares: South Asian, 0.0011%; no homozygotes.

Submission:

Labcorp Genetics (formerly Invitae), Labcorp
Classification: Likely pathogenic. Last evaluated: 2021-10-22. Review status: criteria provided, single submitter. Criteria: Invitae Variant Classification Sherloc (09022015). Collection method: clinical testing. Allele origin: germline.
Comment: In summary, the currently available evidence indicates that the variant is pathogenic, but additional data are needed to prove that conclusively. Therefore, this variant has been classified as Likely Pathogenic. Algorithms developed to predict the effect of sequence changes on RNA splicing suggest that this variant may disrupt the consensus splice site. This variant has not been reported in the literature in individuals affected with DNASE1L3-related conditions. This variant is not present in population databases (ExAC no frequency). This sequence change affects a donor splice site in intron 2 of the DNASE1L3 gene. It is expected to disrupt RNA splicing. Variants that disrupt the donor or acceptor splice site typically lead to a loss of protein function (PMID: 16199547), and loss-of-function variants in DNASE1L3 are known to be pathogenic (PMID: 24206041, 27821515).

Literature cited by the submitters: PubMed 16199547; PubMed 24206041; PubMed 27821515.